The following is an entry in ClinVar:

NM_001018005.2(TPM1):c.240+11G>A

Gene: TPM1 (tropomyosin 1; plus strand). Cytogenetic location: 15q22.2.
Variant type: single nucleotide variant.
Coding change: c.240+11G>A on transcript NM_001018005.2 (MANE Select); 11 bases into the intron after coding-DNA position 240, G replaced by A.
Molecular consequence: intron variant.
Genome position (GRCh38, 1-based): chr15:63,044,163, G>A. VCF-style: chr15-63044163-G-A. GRCh37 (hg19) VCF-style: chr15-63336362-G-A.
Other names: c.366+11G>A (NM_001365778.1); c.240+332G>A (NM_001018020.2, NM_001018007.2, NM_001301244.2); c.240+11G>A (NM_001018006.2, NM_001365776.1, NM_001018004.2 and 3 more transcripts).
Identifiers: ClinVar variation 391281 (VCV000391281.9), dbSNP rs367999295, ClinGen allele CA027831.

ClinVar aggregate classification (germline): Likely benign. Review status: criteria provided, multiple submitters, no conflicts (2 of 4 stars). 3 submissions from 3 submitters: Likely benign (3). Last evaluated 2024-12-26.

Conditions:
Hypertrophic cardiomyopathy. Also called: HYPERTROPHIC MYOCARDIOPATHY. Identifiers: Orphanet 217569, MedGen C0007194, MeSH D002312, MONDO:0005045, HP:0001639.

Allele frequency attached by ClinVar (database versions not stated): ExAC 0.00001; gnomAD exomes 0.00001; gnomAD 0.00002; TOPMed 0.00003; ESP Exome Variant Server 0.00015.
gnomAD v4.1: 17 of 1,614,064 alleles (0.0011%); highest among the groups gnomAD compares: Non-Finnish European, 0.0014%; no homozygotes.

Submissions (3):

Labcorp Genetics (formerly Invitae), Labcorp
Classification: Likely benign for Hypertrophic cardiomyopathy. Last evaluated: 2024-12-26. Review status: criteria provided, single submitter. Criteria: Invitae Variant Classification Sherloc (09022015). Collection method: clinical testing. Allele origin: germline.

GeneDx
Classification: Likely benign. Last evaluated: 2017-07-21. Review status: criteria provided, single submitter. Criteria: GeneDx Variant Classification (06012015). Collection method: clinical testing. Allele origin: germline. Affected: yes.
Comment: This variant is considered likely benign or benign based on one or more of the following criteria: it is a conservative change, it occurs at a poorly conserved position in the protein, it is predicted to be benign by multiple in silico algorithms, and/or has population frequency not consistent with disease.

Breakthrough Genomics
Classification: Likely benign. Review status: criteria provided, single submitter. Criteria: ACMG Guidelines, 2015. Collection method: not provided. Allele origin: germline. Inheritance: Autosomal dominant inheritance. Affected: yes.